The following is an entry in ClinVar:

NM_172107.4(KCNQ2):c.1655A>G (p.Lys552Arg)

Gene: KCNQ2 (potassium voltage-gated channel subfamily Q member 2; minus strand). Cytogenetic location: 20q13.33.
Variant type: single nucleotide variant.
Coding change: c.1655A>G on transcript NM_172107.4 (MANE Select); coding-DNA position 1655, A replaced by G.
Protein change: p.Lys552Arg; replaces lysine 552 with arginine.
Molecular consequence: missense variant.
Genome position (GRCh38, 1-based): chr20:63,413,558, T>C on the plus strand (A>G on the coding strand, the complement: KCNQ2 is on the minus strand). VCF-style: chr20-63413558-T-C. GRCh37 (hg19) VCF-style: chr20-62044911-T-C.
Other names: c.1571A>G, p.Lys524Arg (NM_004518.6); c.1601A>G, p.Lys534Arg (NM_172106.3); c.1562A>G, p.Lys521Arg (NM_172108.5); short protein forms K521R, K524R, K534R, K552R.
Identifiers: ClinVar variation 642572 (VCV000642572.9), dbSNP rs1555853613, ClinGen allele CA409643992.

ClinVar aggregate classification (germline): Uncertain significance (1 of 4 stars; one submission).

Conditions:
Early-infantile DEE. Also called: Early infantile epileptic encephalopathy; Early infantile epileptic encephalopathy with suppression bursts; Ohtahara syndrome. Identifiers: Orphanet 1934, MedGen C0393706, MONDO:0800491.

Allele frequency attached by ClinVar (database versions not stated): gnomAD exomes below 0.00001.

Submission:

Labcorp Genetics (formerly Invitae), Labcorp
Classification: Uncertain significance for Early-infantile DEE. Last evaluated: 2018-08-01. Review status: criteria provided, single submitter. Criteria: Invitae Variant Classification Sherloc (09022015). Collection method: clinical testing. Allele origin: germline.
Comment: This sequence change replaces lysine with arginine at codon 552 of the KCNQ2 protein (p.Lys552Arg). The lysine residue is moderately conserved and there is a small physicochemical difference between lysine and arginine. This variant is not present in population databases (ExAC no frequency). This variant has not been reported in the literature in individuals with KCNQ2-related disease. Algorithms developed to predict the effect of missense changes on protein structure and function are either unavailable or do not agree on the potential impact of this missense change (SIFT: "Tolerated"; PolyPhen-2: "Possibly Damaging"; Align-GVGD: "Class C0"). Algorithms developed to predict the effect of sequence changes on RNA splicing suggest that this variant may create or strengthen a splice site, but this prediction has not been confirmed by published transcriptional studies. In summary, the available evidence is currently insufficient to determine the role of this variant in disease. Therefore, it has been classified as a Variant of Uncertain Significance.